The following is an entry in ClinVar:

NM_003872.3(NRP2):c.1730G>A (p.Arg577Lys)

Gene: NRP2 (neuropilin 2; plus strand). Cytogenetic location: 2q33.3.
Variant type: single nucleotide variant.
Coding change: c.1730G>A on transcript NM_003872.3 (MANE Select); coding-DNA position 1730, G replaced by A.
Protein change: p.Arg577Lys; replaces arginine 577 with lysine.
Molecular consequence: missense variant.
Genome position (GRCh38, 1-based): chr2:205,745,834, G>A. VCF-style: chr2-205745834-G-A. GRCh37 (hg19) VCF-style: chr2-206610558-G-A.
Other names: c.1730G>A, p.Arg577Lys (NM_018534.4, NM_201266.2, NM_201267.2 and 1 more transcripts); short protein forms R577K.
Identifiers: ClinVar variation 4987056 (VCV004987056.1).

ClinVar aggregate classification (germline): Uncertain significance (1 of 4 stars; one submission).

Conditions:
NRP2-related disorder. Also called: NRP2-related condition.

gnomAD v4.1: 3 of 1,614,084 alleles (0.00019%); highest among the groups gnomAD compares: Admixed American, 0.0017%; no homozygotes.

Submission:

PreventionGenetics, part of Exact Sciences
Classification: Uncertain significance for NRP2-related condition. Last evaluated: 2026-09-22. Review status: criteria provided, single submitter. Criteria: ACMG Guidelines, 2015. Collection method: clinical testing. Allele origin: germline.
Comment: The NRP2 c.1730G>A variant is predicted to result in the amino acid substitution p.Arg577Lys. To our knowledge, this variant has not been reported in the literature or in a large population database (gnomAD), indicating this variant is rare. At this time, the clinical significance of this variant is uncertain due to the absence of conclusive functional and genetic evidence.